The following is an entry in ClinVar:

NM_002907.4(RECQL):c.439C>T (p.Gln147Ter)

Gene: RECQL (RecQ like helicase; minus strand). Cytogenetic location: 12p12.1.
Variant type: single nucleotide variant.
Coding change: c.439C>T on transcript NM_002907.4 (MANE Select); coding-DNA position 439, C replaced by T.
Protein change: p.Gln147Ter; replaces glutamine 147 with a stop codon.
Molecular consequence: nonsense.
Genome position (GRCh38, 1-based): chr12:21,486,541, G>A on the plus strand (C>T on the coding strand, the complement: RECQL is on the minus strand). VCF-style: chr12-21486541-G-A. GRCh37 (hg19) VCF-style: chr12-21639475-G-A.
Other names: c.439C>T, p.Gln147Ter (NM_032941.3); short protein forms Q147*.
Identifiers: ClinVar variation 4850460 (VCV004850460.1).

ClinVar aggregate classification (germline): Likely pathogenic (1 of 4 stars; one submission).

Conditions:
Leukoencephalopathy with calcifications and cysts. Also called: LABRUNE SYNDROME; Leukoencephalopathy, brain calcifications, and cysts. Identifiers: Orphanet 542310, MedGen C3281200, MONDO:0013803, OMIM 614561.

Submission:

First Genomix Gene Laboratory, Genetic Diagnostics Department
Classification: Likely pathogenic for Leukoencephalopathy with calcifications and cysts. Last evaluated: 2025-09-24. Review status: criteria provided, single submitter. Criteria: ACMG Guidelines, 2015. Collection method: clinical testing. Allele origin: germline. Inheritance: Autosomal recessive inheritance. Affected: no. Observed: 1 variant allele.